The following is an entry in ClinVar:

NM_001379451.1(BCORL1):c.878G>T (p.Gly293Val)

Gene: BCORL1 (BCL6 corepressor like 1; plus strand). Cytogenetic location: Xq26.1.
Variant type: single nucleotide variant.
Coding change: c.878G>T on transcript NM_001379451.1 (MANE Select); coding-DNA position 878, G replaced by T.
Protein change: p.Gly293Val; replaces glycine 293 with valine.
Molecular consequence: missense variant.
Genome position (GRCh38, 1-based): chrX:130,013,650, G>T. VCF-style: chrX-130013650-G-T. GRCh37 (hg19) VCF-style: chrX-129147626-G-T.
Other names: c.878G>T, p.Gly293Val (NM_001184772.3, NM_001379450.1, NM_021946.5); short protein forms G293V.
Identifiers: ClinVar variation 2429493 (VCV002429493.1), dbSNP rs965080918, ClinGen allele CA335102496.

ClinVar aggregate classification (germline): Uncertain significance (1 of 4 stars; one submission).

Allele frequency attached by ClinVar (database versions not stated): TOPMed 0.00002.

Submission:

GeneDx
Classification: Uncertain significance. Last evaluated: 2022-08-10. Review status: criteria provided, single submitter. Criteria: GeneDx Variant Classification Process June 2021. Collection method: clinical testing. Allele origin: germline. Affected: yes.
Comment: Not observed at significant frequency in large population cohorts (gnomAD); In silico analysis supports that this missense variant does not alter protein structure/function; Has not been previously published as pathogenic or benign to our knowledge